The following is an entry in ClinVar:

NM_022132.5(MCCC2):c.1471G>A (p.Ala491Thr)

Gene: MCCC2 (methylcrotonyl-CoA carboxylase subunit 2; plus strand). Cytogenetic location: 5q13.2.
Variant type: single nucleotide variant.
Coding change: c.1471G>A on transcript NM_022132.5 (MANE Select); coding-DNA position 1471, G replaced by A.
Protein change: p.Ala491Thr; replaces alanine 491 with threonine.
Molecular consequence: missense variant.
Genome position (GRCh38, 1-based): chr5:71,650,166, G>A. VCF-style: chr5-71650166-G-A. GRCh37 (hg19) VCF-style: chr5-70945993-G-A.
Other names: c.1357G>A, p.Ala453Thr (NM_001363147.1); short protein forms A491T, A453T.
Identifiers: ClinVar variation 1958701 (VCV001958701.2), dbSNP rs1284132834, ClinGen allele CA359999376.

ClinVar aggregate classification (germline): Uncertain significance (1 of 4 stars; one submission).

Conditions:
3-methylcrotonyl-CoA carboxylase 2 deficiency. Also called: METHYLCROTONYLGLYCINURIA, TYPE II; 3 alpha methylcrotonyl-CoA carboxylase 2 deficiency; 3 alpha methylcrotonylglycinuria 2; MCC 2 deficiency; Methylcrotonylglycinuria type 2. Identifiers: Orphanet 6, MedGen C1859499, MONDO:0008862, OMIM 210210.

Allele frequency attached by ClinVar (database versions not stated): TOPMed below 0.00001; gnomAD 0.00001; gnomAD exomes 0.00001.
gnomAD v4.1: 12 of 1,614,020 alleles (0.00074%); highest among the groups gnomAD compares: Non-Finnish European, 0.001%; no homozygotes.

Submission:

Labcorp Genetics (formerly Invitae), Labcorp
Classification: Uncertain significance for 3-methylcrotonyl-CoA carboxylase 2 deficiency. Last evaluated: 2022-06-28. Review status: criteria provided, single submitter. Criteria: Invitae Variant Classification Sherloc (09022015). Collection method: clinical testing. Allele origin: germline.
Comment: This sequence change replaces alanine, which is neutral and non-polar, with threonine, which is neutral and polar, at codon 491 of the MCCC2 protein (p.Ala491Thr). This variant is not present in population databases (gnomAD no frequency). This variant has not been reported in the literature in individuals affected with MCCC2-related conditions. Algorithms developed to predict the effect of missense changes on protein structure and function output the following: SIFT: "Tolerated"; PolyPhen-2: "Benign"; Align-GVGD: "Class C0". The threonine amino acid residue is found in multiple mammalian species, which suggests that this missense change does not adversely affect protein function. In summary, the available evidence is currently insufficient to determine the role of this variant in disease. Therefore, it has been classified as a Variant of Uncertain Significance.